The following is an entry in ClinVar:

ClinVar aggregate classification (germline): Uncertain significance. Review status: criteria provided, multiple submitters, no conflicts (2 of 4 stars). 3 submissions from 3 submitters: Uncertain significance (3). Last evaluated 2025-04-03.

Conditions:
Inborn genetic diseases. Identifiers: MedGen C0950123, MeSH D030342.

Allele frequency attached by ClinVar (database versions not stated): gnomAD exomes below 0.00001 and 0.00001; TOPMed below 0.00001; ExAC 0.00001.
gnomAD v4.1: 5 of 1,614,184 alleles (0.00031%); highest among the groups gnomAD compares: Non-Finnish European, 0.00042%; no homozygotes.

Submissions (3):

Ambry Genetics
Classification: Uncertain significance for Inborn genetic diseases. Last evaluated: 2025-04-03. Review status: criteria provided, single submitter. Criteria: Ambry Variant Classification Scheme 2023. Collection method: clinical testing. Allele origin: germline.

Blueprint Genetics
Classification: Uncertain significance. Last evaluated: 2024-10-10. Review status: criteria provided, single submitter. Criteria: ACMG Guidelines, 2015. Collection method: clinical testing. Allele origin: germline.

Labcorp Genetics (formerly Invitae), Labcorp
Classification: Uncertain significance. Last evaluated: 2021-05-06. Review status: criteria provided, single submitter. Criteria: Invitae Variant Classification Sherloc (09022015). Collection method: clinical testing. Allele origin: germline.
Comment: In summary, the available evidence is currently insufficient to determine the role of this variant in disease. Therefore, it has been classified as a Variant of Uncertain Significance. Algorithms developed to predict the effect of missense changes on protein structure and function (SIFT, PolyPhen-2, Align-GVGD) all suggest that this variant is likely to be tolerated, but these predictions have not been confirmed by published functional studies and their clinical significance is uncertain. This variant has not been reported in the literature in individuals with C8B-related conditions. This variant is present in population databases (rs748659615, ExAC 0.001%). This sequence change replaces histidine with arginine at codon 164 of the C8B protein (p.His164Arg). The histidine residue is weakly conserved and there is a small physicochemical difference between histidine and arginine.

NM_000066.4(C8B):c.491A>G (p.His164Arg)

Gene: C8B (complement C8 beta chain; minus strand). Cytogenetic location: 1p32.2.
Variant type: single nucleotide variant.
Coding change: c.491A>G on transcript NM_000066.4 (MANE Select); coding-DNA position 491, A replaced by G.
Protein change: p.His164Arg; replaces histidine 164 with arginine.
Molecular consequence: missense variant.
Genome position (GRCh38, 1-based): chr1:56,954,728, T>C on the plus strand (A>G on the coding strand, the complement: C8B is on the minus strand). VCF-style: chr1-56954728-T-C. GRCh37 (hg19) VCF-style: chr1-57420401-T-C.
Other names: c.491A>G (NM_000066.2); c.335A>G, p.His112Arg (NM_001278543.2); c.305A>G, p.His102Arg (NM_001278544.2); short protein forms H164R, H102R, H112R.
Identifiers: ClinVar variation 1466703 (VCV001466703.8), dbSNP rs748659615, ClinGen allele CA875968.
Genomic context (GRCh38, chr1:56,954,728, plus strand): 5'-AGAAAAATGGTCACTTACCCACTGGCCAGACTGCCAATTCCCCAGTATTGGTCCATTTCA[T>C]GCTGACATTTTTTATAAATCCTTCTACAGTTTGCTTCATCTGACTGGTCTCCACAGTCAT-3'
Protein context (NP_000057.3, residues 154-174): NCRRIYKKCQ[His164Arg]EMDQYWGIGS